The following is an entry in ClinVar:

NM_003579.4(RAD54L):c.1379C>T (p.Pro460Leu)

Gene: RAD54L (RAD54 like; plus strand). Cytogenetic location: 1p34.1.
Variant type: single nucleotide variant.
Coding change: c.1379C>T on transcript NM_003579.4 (MANE Select); coding-DNA position 1379, C replaced by T.
Protein change: p.Pro460Leu; replaces proline 460 with leucine.
Molecular consequence: missense variant.
Genome position (GRCh38, 1-based): chr1:46,273,358, C>T. VCF-style: chr1-46273358-C-T. GRCh37 (hg19) VCF-style: chr1-46739030-C-T.
Other names: c.1379C>T, p.Pro460Leu (NM_001142548.2); c.839C>T, p.Pro280Leu (NM_001370766.1); short protein forms P280L, P460L.
Identifiers: ClinVar variation 2466539 (VCV002466539.2), dbSNP rs1216469476, ClinGen allele CA340180213.

ClinVar aggregate classification (germline): Uncertain significance (1 of 4 stars; one submission).

Allele frequency attached by ClinVar (database versions not stated): gnomAD exomes below 0.00001; TOPMed 0.00001.
gnomAD v4.1: 1 of 1,610,132 alleles (0.000062%); highest among the groups gnomAD compares: Non-Finnish European, 0.000085%; no homozygotes.

Submission:

Ambry Genetics
Classification: Uncertain significance. Last evaluated: 2023-03-06. Review status: criteria provided, single submitter. Criteria: Ambry Variant Classification Scheme 2023. Collection method: clinical testing. Allele origin: germline.
Comment: The p.P460L variant (also known as c.1379C>T), located in coding exon 13 of the RAD54L gene, results from a C to T substitution at nucleotide position 1379. The proline at codon 460 is replaced by leucine, an amino acid with similar properties. This amino acid position is conserved. In addition, this alteration is predicted to be deleterious by in silico analysis. Since supporting evidence is limited at this time, the clinical significance of this alteration remains unclear.